The following is an entry in ClinVar:

NM_001388419.1(KALRN):c.4464G>A (p.Pro1488=)

Genes: KALRN (kalirin RhoGEF kinase; plus strand), LOC126806795 (MED14-independent group 3 enhancer GRCh37_chr3:124209527-124210726; plus strand). Cytogenetic location: 3q21.2.
Variant type: single nucleotide variant.
Coding change: c.4464G>A on transcript NM_001388419.1 (MANE Select); coding-DNA position 4464, G replaced by A.
Protein change: p.Pro1488=; no amino-acid change (proline 1488 retained).
Molecular consequence: synonymous variant. On other transcripts: non-coding transcript variant (2).
Genome position (GRCh38, 1-based): chr3:124,490,761, G>A. VCF-style: chr3-124490761-G-A. GRCh37 (hg19) VCF-style: chr3-124209608-G-A.
Other names: c.4458G>A, p.Pro1486= (NM_001024660.5, NM_001322988.2, NM_003947.6); c.4431G>A, p.Pro1477= (NM_001322989.2); c.4419G>A, p.Pro1473= (NM_001322990.2); c.4392G>A, p.Pro1464= (NM_001322991.2); c.4308G>A, p.Pro1436= (NM_001322992.2); c.2535G>A, p.Pro845= (NM_001388412.1, NM_001388413.1); c.2508G>A, p.Pro836= (NM_001388414.1); c.2496G>A, p.Pro832= (NM_001388415.1); and 3 more.
Identifiers: ClinVar variation 3048688 (VCV003048688.2), dbSNP rs139928910, ClinGen allele CA2580075.
Genomic context (GRCh38, chr3:124,490,761, plus strand): 5'-CGAGAACCTGGATGTGCAGGGGGAGTTGATTCTCCAGGATGCCTTTCAAGTGTGGGACCC[G>A]AAGTCGCTGATCCGGAAGGGGCGGGAGCGGCACTTGTTCCTCTTTGAGATCTCCTTGGTT-3'
Protein context (NP_001375348.1, residues 1478-1498): ILQDAFQVWD[Pro1488=]KSLIRKGRER

ClinVar aggregate classification (germline): Likely benign (0 of 4 stars; one submission).

Conditions:
KALRN-related disorder. Also called: KALRN-related condition.

Allele frequency attached by ClinVar (database versions not stated): ExAC 0.00002; gnomAD 0.00002; TOPMed 0.00005; ESP Exome Variant Server 0.00015.
gnomAD v4.1: 49 of 1,613,778 alleles (0.003%); highest among the groups gnomAD compares: African/African-American, 0.0067%; no homozygotes.

Submission:

PreventionGenetics, part of Exact Sciences
Classification: Likely benign for KALRN-related condition. Last evaluated: 2019-11-25. Review status: no assertion criteria provided. Collection method: clinical testing. Allele origin: germline.
Comment: This variant is classified as likely benign based on ACMG/AMP sequence variant interpretation guidelines (Richards et al. 2015 PMID: 25741868, with internal and published modifications).